The following is an entry in ClinVar:

NM_001365276.2(TNXB):c.4153C>G (p.Pro1385Ala)

Gene: TNXB (tenascin XB; minus strand). Cytogenetic location: 6p21.33.
Variant type: single nucleotide variant.
Coding change: c.4153C>G on transcript NM_001365276.2 (MANE Select); coding-DNA position 4153, C replaced by G.
Protein change: p.Pro1385Ala; replaces proline 1385 with alanine.
Molecular consequence: missense variant.
Genome position (GRCh38, 1-based): chr6:32,079,255, G>C on the plus strand (C>G on the coding strand, the complement: TNXB is on the minus strand). VCF-style: chr6-32079255-G-C. GRCh37 (hg19) VCF-style: chr6-32047032-G-C.
Other names: c.4894C>G, p.Pro1632Ala (NM_001428335.1); c.4153C>G, p.Pro1385Ala (NM_019105.8); short protein forms P1385A, P1632A.
Identifiers: ClinVar variation 3459724 (VCV003459724.3).

ClinVar aggregate classification (germline): Uncertain significance. Review status: criteria provided, multiple submitters, no conflicts (2 of 4 stars). 2 submissions from 2 submitters: Uncertain significance (2). Last evaluated 2025-03-14.

Conditions:
Cardiovascular phenotype. Identifiers: MedGen CN230736.

Submissions (2):

Ambry Genetics
Classification: Uncertain significance for Cardiovascular phenotype. Last evaluated: 2025-03-14. Review status: criteria provided, single submitter. Criteria: Ambry Variant Classification Scheme 2023. Collection method: clinical testing. Allele origin: germline.

GeneDx
Classification: Uncertain significance. Last evaluated: 2024-09-04. Review status: criteria provided, single submitter. Criteria: GeneDx Variant Classification Process June 2021. Collection method: clinical testing. Allele origin: germline. Affected: yes.
Comment: In silico analysis supports that this missense variant has a deleterious effect on protein structure/function; Has not been previously published as pathogenic or benign to our knowledge